The following is an entry in ClinVar:

ClinVar aggregate classification (germline): Likely benign (1 of 4 stars; one submission).

Submission:

CeGaT Center for Human Genetics Tuebingen
Classification: Likely benign. Last evaluated: 2022-07-01. Review status: criteria provided, single submitter. Criteria: CeGaT Center For Human Genetics Tuebingen Variant Classification Criteria Version 2. Collection method: clinical testing. Allele origin: germline. Affected: yes. Observed: 1 variant allele.
Comment: POU4F1: BP4, BP7

NM_006237.4(POU4F1):c.498C>A (p.Gly166=)

Genes: OBI1-AS1 (OBI1 antisense RNA 1; plus strand), POU4F1 (POU class 4 homeobox 1; minus strand). Cytogenetic location: 13q31.1.
Variant type: single nucleotide variant.
Coding change: c.498C>A on transcript NM_006237.4 (MANE Select); coding-DNA position 498, C replaced by A.
Protein change: p.Gly166=; no amino-acid change (glycine 166 retained).
Molecular consequence: synonymous variant.
Genome position (GRCh38, 1-based): chr13:78,602,177, G>T on the plus strand (C>A on the coding strand, the complement: POU4F1 is on the minus strand). VCF-style: chr13-78602177-G-T. GRCh37 (hg19) VCF-style: chr13-79176312-G-T.
Identifiers: ClinVar variation 2643869 (VCV002643869.24), dbSNP rs2500896180, ClinGen allele CA484489332.